The following is an entry in ClinVar:

NM_001371623.1(TCOF1):c.3215T>A (p.Leu1072Gln)

Gene: TCOF1 (treacle ribosome biogenesis factor 1; plus strand). Cytogenetic location: 5q32.
Variant type: single nucleotide variant.
Coding change: c.3215T>A on transcript NM_001371623.1 (MANE Select); coding-DNA position 3215, T replaced by A.
Protein change: p.Leu1072Gln; replaces leucine 1072 with glutamine.
Molecular consequence: missense variant. On other transcripts: intron variant (2).
Genome position (GRCh38, 1-based): chr5:150,391,575, T>A. VCF-style: chr5-150391575-T-A. GRCh37 (hg19) VCF-style: chr5-149771138-T-A.
Other names: c.2984T>A, p.Leu995Gln (NM_000356.4, NM_001135245.2); c.3215T>A, p.Leu1072Gln (NM_001135243.2); c.3184-382T>A (NM_001135244.2, NM_001195141.2); short protein forms L1072Q, L995Q.
Identifiers: ClinVar variation 1369092 (VCV001369092.8), dbSNP rs2151031405, ClinGen allele CA361735381.

ClinVar aggregate classification (germline): Uncertain significance (1 of 4 stars; one submission).

Conditions:
Treacher Collins syndrome 1 (TCS1). Also called: TCOF1-Related Treacher Collins Syndrome. Identifiers: Orphanet 861, MedGen CN315775, MONDO:0007944, OMIM 154500.

gnomAD v4.1: 1 of 1,614,152 alleles (0.000062%); highest among the groups gnomAD compares: Non-Finnish European, 0.000085%; no homozygotes.

Submission:

Labcorp Genetics (formerly Invitae), Labcorp
Classification: Uncertain significance for Treacher Collins syndrome 1. Last evaluated: 2021-05-17. Review status: criteria provided, single submitter. Criteria: Invitae Variant Classification Sherloc (09022015). Collection method: clinical testing. Allele origin: germline.
Comment: This sequence change replaces leucine with glutamine at codon 1072 of the TCOF1 protein (p.Leu1072Gln). The leucine residue is weakly conserved and there is a moderate physicochemical difference between leucine and glutamine. This variant is not present in population databases (ExAC no frequency). This variant has been observed in one or more individuals who were not affected with Treacher Collins syndrome (Invitae). Algorithms developed to predict the effect of missense changes on protein structure and function are either unavailable or do not agree on the potential impact of this missense change (SIFT: "Deleterious"; PolyPhen-2: "Probably Damaging"; Align-GVGD: "Class C0"). Algorithms developed to predict the effect of sequence changes on RNA splicing suggest that this variant may create or strengthen a splice site, but this prediction has not been confirmed by published transcriptional studies. In summary, the available evidence is currently insufficient to determine the role of this variant in disease. Therefore, it has been classified as a Variant of Uncertain Significance.